The following is an entry in ClinVar:

NM_001999.4(FBN2):c.5918-1G>C

Gene: FBN2 (fibrillin 2; minus strand). Cytogenetic location: 5q23.3.
Variant type: single nucleotide variant.
Coding change: c.5918-1G>C on transcript NM_001999.4 (MANE Select); the canonical splice acceptor site of the intron before coding-DNA position 5918, G replaced by C.
Molecular consequence: splice acceptor variant.
Genome position (GRCh38, 1-based): chr5:128,301,511, C>G on the plus strand (G>C on the coding strand, the complement: FBN2 is on the minus strand). VCF-style: chr5-128301511-C-G. GRCh37 (hg19) VCF-style: chr5-127637203-C-G.
Identifiers: ClinVar variation 4766813 (VCV004766813.1).

ClinVar aggregate classification (germline): Uncertain significance (1 of 4 stars; one submission).

Conditions:
Congenital contractural arachnodactyly (CCA). Also called: Beals-Hecht syndrome; BEALS SYNDROME; Arthrogryposis, distal, type 9. Identifiers: Orphanet 115, MedGen C0220668, MONDO:0007363, OMIM 121050.

Submission:

Labcorp Genetics (formerly Invitae), Labcorp
Classification: Uncertain significance for Congenital contractural arachnodactyly. Last evaluated: 2025-09-03. Review status: criteria provided, single submitter. Criteria: Invitae Variant Classification Sherloc (09022015). Collection method: clinical testing. Allele origin: germline.
Comment: This sequence change affects an acceptor splice site in intron 46 of the FBN2 gene. It is expected to disrupt RNA splicing. Variants that disrupt the donor or acceptor splice site typically lead to a loss of protein function (PMID: 16199547), however the current clinical and genetic evidence is not sufficient to establish whether loss-of-function variants in FBN2 cause disease. This variant is not present in population databases (gnomAD no frequency). This variant has not been reported in the literature in individuals affected with FBN2-related conditions. Algorithms developed to predict the effect of sequence changes on RNA splicing suggest that this variant may disrupt the consensus splice site. In summary, the available evidence is currently insufficient to determine the role of this variant in disease. Therefore, it has been classified as a Variant of Uncertain Significance.

Literature cited by the submitters: PubMed 16199547.